The following is an entry in ClinVar:

ClinVar aggregate classification (germline): Pathogenic (1 of 4 stars; one submission).

Conditions:
Autosomal recessive polycystic kidney disease (ARPKD). Also called: AR polycystic kidney disease. Identifiers: Orphanet 731, Orphanet 8378, MedGen C0085548, MeSH D017044, MONDO:0009889.

Submission:

Labcorp Genetics (formerly Invitae), Labcorp
Classification: Pathogenic for Autosomal recessive polycystic kidney disease. Last evaluated: 2021-04-17. Review status: criteria provided, single submitter. Criteria: Invitae Variant Classification Sherloc (09022015). Collection method: clinical testing. Allele origin: germline.
Comment: This variant has not been reported in the literature in individuals with PKHD1-related conditions. Algorithms developed to predict the effect of sequence changes on RNA splicing suggest that this variant may create or strengthen a splice site, but this prediction has not been confirmed by published transcriptional studies. For these reasons, this variant has been classified as Pathogenic. This variant is not present in population databases (ExAC no frequency). This sequence change creates a premature translational stop signal (p.Val231Serfs*3) in the PKHD1 gene. It is expected to result in an absent or disrupted protein product. Loss-of-function variants in PKHD1 are known to be pathogenic (PMID: 19940839).

Literature cited by the submitters: PubMed 19940839.

NM_138694.4(PKHD1):c.690dup (p.Val231fs)

Gene: PKHD1 (PKHD1 ciliary IPT domain containing fibrocystin/polyductin; minus strand). Cytogenetic location: 6p12.2.
Variant type: Duplication.
Coding change: c.690dup on transcript NM_138694.4 (MANE Select); coding-DNA position 690, one base duplicated (A; older notation c.690dupA).
Protein change: p.Val231fs; shifts the reading frame from valine 231.
Molecular consequence: frameshift variant.
Genome position (GRCh38, 1-based): chr6:52,070,423, T duplicated on the plus strand (A on the coding strand, the reverse complement: PKHD1 is on the minus strand). VCF-style (leftmost placement, unchanged base first): chr6-52070422-C-CT. GRCh37 (hg19) VCF-style: chr6-51935220-C-CT.
Other names: c.690dup, p.Val231fs (NM_170724.3); short protein forms V231fs.
Identifiers: ClinVar variation 1455361 (VCV001455361.6), dbSNP rs2128229183, ClinGen allele CA2573140970.